The following is an entry in ClinVar:

NM_001142800.2(EYS):c.1456G>T (p.Ala486Ser)

Gene: EYS (EGF-like photoreceptor maintenance factor; minus strand). Cytogenetic location: 6q12.
Variant type: single nucleotide variant.
Coding change: c.1456G>T on transcript NM_001142800.2 (MANE Select); coding-DNA position 1456, G replaced by T.
Protein change: p.Ala486Ser; replaces alanine 486 with serine.
Molecular consequence: missense variant.
Genome position (GRCh38, 1-based): chr6:65,353,461, C>A on the plus strand (G>T on the coding strand, the complement: EYS is on the minus strand). VCF-style: chr6-65353461-C-A. GRCh37 (hg19) VCF-style: chr6-66063354-C-A.
Other names: c.1456G>T, p.Ala486Ser (NM_001142801.2, NM_001292009.2, NM_198283.2); c.1456G>T (NM_001142800.1); short protein forms A486S.
Identifiers: ClinVar variation 1524456 (VCV001524456.6), dbSNP rs1020404683, ClinGen allele CA139845532.

ClinVar aggregate classification (germline): Uncertain significance. Review status: criteria provided, multiple submitters, no conflicts (2 of 4 stars). 3 submissions from 3 submitters: Uncertain significance (3). Last evaluated 2025-08-29.

Conditions:
Inborn genetic diseases. Identifiers: MedGen C0950123, MeSH D030342.

Allele frequency attached by ClinVar (database versions not stated): gnomAD 0.00001; gnomAD exomes 0.00001; TOPMed 0.00002.
gnomAD v4.1: 16 of 1,612,660 alleles (0.00099%); highest among the groups gnomAD compares: Admixed American, 0.0033%; no homozygotes.

Submissions (3):

Ambry Genetics
Classification: Uncertain significance for Inborn genetic diseases. Last evaluated: 2025-08-29. Review status: criteria provided, single submitter. Criteria: Ambry Variant Classification Scheme 2023. Collection method: clinical testing. Allele origin: germline.

Blueprint Genetics
Classification: Uncertain significance. Last evaluated: 2024-09-12. Review status: criteria provided, single submitter. Criteria: ACMG Guidelines, 2015. Collection method: clinical testing. Allele origin: germline.

Labcorp Genetics (formerly Invitae), Labcorp
Classification: Uncertain significance. Last evaluated: 2022-10-05. Review status: criteria provided, single submitter. Criteria: Invitae Variant Classification Sherloc (09022015). Collection method: clinical testing. Allele origin: germline.
Comment: This sequence change replaces alanine, which is neutral and non-polar, with serine, which is neutral and polar, at codon 486 of the EYS protein (p.Ala486Ser). This variant is not present in population databases (gnomAD no frequency). This variant has not been reported in the literature in individuals affected with EYS-related conditions. ClinVar contains an entry for this variant (Variation ID: 1524456). Algorithms developed to predict the effect of missense changes on protein structure and function (SIFT, PolyPhen-2, Align-GVGD) all suggest that this variant is likely to be tolerated. In summary, the available evidence is currently insufficient to determine the role of this variant in disease. Therefore, it has been classified as a Variant of Uncertain Significance.